The following is an entry in ClinVar:

ClinVar aggregate classification (germline): Uncertain significance (1 of 4 stars; one submission).

Allele frequency attached by ClinVar (database versions not stated): gnomAD exomes below 0.00001.
gnomAD v4.1: 2 of 1,614,164 alleles (0.00012%); highest among the groups gnomAD compares: Non-Finnish European, 0.00017%; no homozygotes.

Submission:

Labcorp Genetics (formerly Invitae), Labcorp
Classification: Uncertain significance. Last evaluated: 2025-06-05. Review status: criteria provided, single submitter. Criteria: Invitae Variant Classification Sherloc (09022015). Collection method: clinical testing. Allele origin: germline.
Comment: This sequence change replaces histidine, which is basic and polar, with tyrosine, which is neutral and polar, at codon 706 of the CFB protein (p.His706Tyr). This variant is not present in population databases (gnomAD no frequency). This variant has not been reported in the literature in individuals affected with CFB-related conditions. ClinVar contains an entry for this variant (Variation ID: 2859295). Invitae Evidence Modeling of protein sequence and biophysical properties (such as structural, functional, and spatial information, amino acid conservation, physicochemical variation, residue mobility, and thermodynamic stability) indicates that this missense variant is not expected to disrupt CFB protein function with a negative predictive value of 80%. In summary, the available evidence is currently insufficient to determine the role of this variant in disease. Therefore, it has been classified as a Variant of Uncertain Significance.

NM_001710.6(CFB):c.2116C>T (p.His706Tyr)

Gene: CFB (complement factor B; plus strand). Cytogenetic location: 6p21.33.
Variant type: single nucleotide variant.
Coding change: c.2116C>T on transcript NM_001710.6 (MANE Select); coding-DNA position 2116, C replaced by T.
Protein change: p.His706Tyr; replaces histidine 706 with tyrosine.
Molecular consequence: missense variant.
Genome position (GRCh38, 1-based): chr6:31,951,581, C>T. VCF-style: chr6-31951581-C-T. GRCh37 (hg19) VCF-style: chr6-31919358-C-T.
Other names: short protein forms H706Y.
Identifiers: ClinVar variation 2859295 (VCV002859295.3), dbSNP rs2482715991, ClinGen allele CA363413563.
Genomic context (GRCh38, chr6:31,951,581, plus strand): 5'-GTCCTTTTCTCTACAGCTTCTCCTCTCCTTGCAGGTGATTCTGGCGGCCCCTTGATAGTT[C>T]ACAAGAGAAGTCGTTTCATTCAAGTGAGTCCTCCCTTTCCTATCTGGGGAGATGCCAAGT-3'
Protein context (NP_001701.2, residues 696-716): RGDSGGPLIV[His706Tyr]KRSRFIQVGV